The following is an entry in ClinVar:

ClinVar aggregate classification (germline): Uncertain significance (1 of 4 stars; one submission).

Conditions:
Hereditary cancer-predisposing syndrome. Also called: Hereditary Cancer Syndrome; Hereditary neoplastic syndrome; Neoplastic Syndromes, Hereditary; Tumor predisposition. Identifiers: Orphanet 140162, MedGen C0027672, MeSH D009386, MONDO:0015356.

Submission:

Ambry Genetics
Classification: Uncertain significance for Hereditary cancer-predisposing syndrome. Last evaluated: 2022-09-03. Review status: criteria provided, single submitter. Criteria: Ambry Variant Classification Scheme 2023. Collection method: clinical testing. Allele origin: germline.
Comment: The p.M440L variant (also known as c.1318A>T), located in coding exon 12 of the NF2 gene, results from an A to T substitution at nucleotide position 1318. The methionine at codon 440 is replaced by leucine, an amino acid with highly similar properties. This amino acid position is conserved. In addition, this alteration is predicted to be tolerated by in silico analysis. Since supporting evidence is limited at this time, the clinical significance of this alteration remains unclear.

NM_000268.4(NF2):c.1318A>T (p.Met440Leu)

Gene: NF2 (NF2, moesin-ezrin-radixin like (MERLIN) tumor suppressor; plus strand). Cytogenetic location: 22q12.2.
Variant type: single nucleotide variant.
Coding change: c.1318A>T on transcript NM_000268.4 (MANE Select); coding-DNA position 1318, A replaced by T.
Protein change: p.Met440Leu; replaces methionine 440 with leucine.
Molecular consequence: missense variant. On other transcripts: non-coding transcript variant (1), intron variant (1).
Genome position (GRCh38, 1-based): chr22:29,673,464, A>T. VCF-style: chr22-29673464-A-T. GRCh37 (hg19) VCF-style: chr22-30069453-A-T.
Other names: c.1204A>T, p.Met402Leu (NM_001407053.1, NM_001407056.1); c.1195A>T, p.Met399Leu (NM_001407054.1, NM_001407058.1, NM_181829.3); c.1192A>T, p.Met398Leu (NM_001407055.1, NM_181828.3); c.1183A>T, p.Met395Leu (NM_001407057.1, NM_001407059.1); c.1318A>T, p.Met440Leu (NM_001407060.1, NM_001407066.1, NM_016418.5 and 2 more transcripts); c.1060A>T, p.Met354Leu (NM_001407062.1); c.1069A>T, p.Met357Leu (NM_001407063.1, NM_001407064.1, NM_181830.3 and 1 more transcripts); c.784A>T, p.Met262Leu (NM_001407065.1); and 2 more; short protein forms M354L, M440L, M363L, M395L, M399L, M357L, M402L, M262L.
Identifiers: ClinVar variation 1769829 (VCV001769829.2), dbSNP rs1185801855, ClinGen allele CA411148654.